The following is an entry in ClinVar:

ClinVar aggregate classification (germline): Uncertain significance. Review status: criteria provided, multiple submitters, no conflicts (2 of 4 stars). 3 submissions from 3 submitters: Uncertain significance (3). Last evaluated 2025-02-26.

Conditions:
Inborn genetic diseases. Identifiers: MedGen C0950123, MeSH D030342.
PLEKHG5-related disorder. Also called: PLEKHG5-related condition.
Charcot-Marie-Tooth disease recessive intermediate C. Also called: CHARCOT-MARIE-TOOTH NEUROPATHY, RECESSIVE INTERMEDIATE C. Identifiers: Orphanet 369867, MedGen C3809309, MONDO:0014154, OMIM 615376.
Neuronopathy, distal hereditary motor, autosomal recessive 4. Also called: NEUROPATHY, DISTAL HEREDITARY MOTOR, AUTOSOMAL RECESSIVE 4; Autosomal recessive lower motor neuron disease with childhood onset. Identifiers: Orphanet 206580, MedGen C1970211, MONDO:0012608, OMIM 611067.

Allele frequency attached by ClinVar (database versions not stated): gnomAD 0.00001 and 0.00003; TOPMed 0.00003; gnomAD exomes 0.00004 and 0.00007; ExAC 0.00008.

Submissions (3):

PreventionGenetics, part of Exact Sciences
Classification: Uncertain significance for PLEKHG5-related condition. Last evaluated: 2025-02-26. Review status: criteria provided, single submitter. Criteria: ACMG Guidelines, 2015. Collection method: clinical testing. Allele origin: germline.
Comment: The PLEKHG5 c.1264C>T variant is predicted to result in the amino acid substitution p.Leu422Phe. To our knowledge, this variant has not been reported in the literature. This variant is reported in 0.036% of alleles in individuals of South Asian descent in gnomAD. At this time, the clinical significance of this variant is uncertain due to the absence of conclusive functional and genetic evidence.

Ambry Genetics
Classification: Uncertain significance for Inborn genetic diseases. Last evaluated: 2024-03-12. Review status: criteria provided, single submitter. Criteria: Ambry Variant Classification Scheme 2023. Collection method: clinical testing. Allele origin: germline.

Labcorp Genetics (formerly Invitae), Labcorp
Classification: Uncertain significance for Neuronopathy, distal hereditary motor, autosomal recessive 4; Charcot-Marie-Tooth disease recessive intermediate C. Last evaluated: 2021-09-01. Review status: criteria provided, single submitter. Criteria: Invitae Variant Classification Sherloc (09022015). Collection method: clinical testing. Allele origin: germline.
Comment: This sequence change replaces leucine with phenylalanine at codon 422 of the PLEKHG5 protein (p.Leu422Phe). The leucine residue is moderately conserved and there is a small physicochemical difference between leucine and phenylalanine. This variant is present in population databases (rs779799130, ExAC 0.05%). This variant has not been reported in the literature in individuals affected with PLEKHG5-related conditions. Algorithms developed to predict the effect of missense changes on protein structure and function output the following: SIFT: "Tolerated"; PolyPhen-2: "Benign"; Align-GVGD: "Class C0". The phenylalanine amino acid residue is found in multiple mammalian species, which suggests that this missense change does not adversely affect protein function. In summary, the available evidence is currently insufficient to determine the role of this variant in disease. Therefore, it has been classified as a Variant of Uncertain Significance.

NM_020631.6(PLEKHG5):c.1264C>T (p.Leu422Phe)

Gene: PLEKHG5 (pleckstrin homology and RhoGEF domain containing G5; minus strand). Cytogenetic location: 1p36.31.
Variant type: single nucleotide variant.
Coding change: c.1264C>T on transcript NM_020631.6 (MANE Select); coding-DNA position 1264, C replaced by T.
Protein change: p.Leu422Phe; replaces leucine 422 with phenylalanine.
Molecular consequence: missense variant.
Genome position (GRCh38, 1-based): chr1:6,471,505, G>A on the plus strand (C>T on the coding strand, the complement: PLEKHG5 is on the minus strand). VCF-style: chr1-6471505-G-A. GRCh37 (hg19) VCF-style: chr1-6531565-G-A.
Other names: c.1375C>T, p.Leu459Phe (NM_001042663.3, NM_001265592.2); c.1264C>T, p.Leu422Phe (NM_001042664.2, NM_001042665.2, NM_001265594.3 and 1 more transcripts); c.1471C>T, p.Leu491Phe (NM_001265593.2); short protein forms L422F, L491F, L459F.
Identifiers: ClinVar variation 565532 (VCV000565532.8), dbSNP rs779799130, ClinGen allele CA561588.